The following is an entry in ClinVar:

NM_001754.5(RUNX1):c.*587T>A

Gene: RUNX1 (RUNX family transcription factor 1; minus strand). Cytogenetic location: 21q22.12.
Variant type: single nucleotide variant.
Coding change: c.*587T>A on transcript NM_001754.5 (MANE Select); 587 bases downstream of the stop codon, T replaced by A.
Molecular consequence: 3 prime UTR variant.
Genome position (GRCh38, 1-based): chr21:34,791,548, A>T on the plus strand (T>A on the coding strand, the complement: RUNX1 is on the minus strand). VCF-style: chr21-34791548-A-T. GRCh37 (hg19) VCF-style: chr21-36163845-A-T.
Other names: c.*587T>A (NM_001001890.3).
Identifiers: ClinVar variation 339861 (VCV000339861.6), dbSNP rs753931767, ClinGen allele CA10653572.
Genomic context (GRCh38, chr21:34,791,548, plus strand): 5'-GTTAAATAAAACTTAAAGAAAAGGGAATCATATTTCTTTCCATGGTCAAAGCAAGAAAGA[A>T]GCAAGCTCAATTTATATATATTTATATAAACGTATATAAAAATAAAAACCACCCAAATGC-3'

ClinVar aggregate classification (germline): Uncertain significance. Review status: reviewed by expert panel (3 of 4 stars). 2 submissions from 2 submitters: Uncertain significance (1). 1 of the submissions does not count toward it. Last evaluated 2024-11-13.

Conditions:
Hereditary thrombocytopenia and hematologic cancer predisposition syndrome. Identifiers: Orphanet 71290, MedGen CN281654, MONDO:0011071.
Hereditary thrombocytopenia and hematological cancer predisposition syndrome associated with RUNX1. Also called: PLATELET DISORDER, ASPIRIN-LIKE; RUNX1 Familial Platelet Disorder with Associated Myeloid Malignancies; Familial Platelet Disorder with Propensity to Acute Myelogenous Leukemia; Familial thrombocytopenia with propensity to acute myelogenous leukemia. Identifiers: Orphanet 71290, MedGen C1832388, MeSH C563324, MONDO:0100083, OMIM 601399.

Allele frequency attached by ClinVar (database versions not stated): gnomAD 0.00001; gnomAD exomes 0.00001; TOPMed 0.00003.
gnomAD v4.1: 3 of 230,912 alleles (0.0013%); highest among the groups gnomAD compares: Non-Finnish European, 0.0017%; no homozygotes.

Submissions (2):

ClinGen Myeloid Malignancy Variant Curation Expert Panel
Classification: Uncertain significance for Hereditary thrombocytopenia and hematologic cancer predisposition syndrome. Last evaluated: 2024-11-13. Review status: reviewed by expert panel. Criteria: ClinGen MyeloMalig ACMG Specifications v2. Collection method: curation. Allele origin: germline. Inheritance: Autosomal dominant inheritance.
Comment: The NM_001754.5(RUNX1):c.*587T>A is a 3'UTR variant which does not meet any ACMG/AMP criteria. In summary, the clinical significance of this variant is uncertain. ACMG/AMP criteria applied, as specified by the Myeloid Malignancy Variant Curation Expert Panel for RUNX1: None.

Illumina Laboratory Services, Illumina
Classification: Uncertain significance for Hereditary thrombocytopenia and hematological cancer predisposition syndrome associated with RUNX1. Last evaluated: 2018-01-12. Review status: criteria provided, single submitter. Criteria: ICSL Variant Classification Criteria 13 December 2019. Collection method: clinical testing. Allele origin: germline. Not counted in ClinVar's aggregate classification.